The following is an entry in ClinVar:

NC_000007.13:g.(?_147964105)_(147964238_?)del

Gene: CNTNAP2 (contactin associated protein 2; plus strand). Cytogenetic location: 7q36.1.
Variant type: Deletion.
Identifiers: ClinVar variation 3245760 (VCV003245760.1).

ClinVar aggregate classification (germline): Pathogenic (1 of 4 stars; one submission).

Conditions:
Cortical dysplasia-focal epilepsy syndrome (PTHSL1). Also called: Pitt-Hopkins-like syndrome 1. Identifiers: Orphanet 163681, Orphanet 221150, MedGen C2750246, MONDO:0012400, OMIM 610042.

Submission:

Labcorp Genetics (formerly Invitae), Labcorp
Classification: Pathogenic for Cortical dysplasia-focal epilepsy syndrome. Last evaluated: 2023-05-22. Review status: criteria provided, single submitter. Criteria: Invitae Variant Classification Sherloc (09022015). Collection method: clinical testing. Allele origin: unknown.
Comment: For these reasons, this variant has been classified as Pathogenic. This variant has not been reported in the literature in individuals affected with CNTNAP2-related conditions. This variant is a gross deletion of the genomic region encompassing exon(s) 21 of the CNTNAP2 gene. This deletion is out-of-frame, and is expected to create a premature termination codon and result in an absent or disrupted protein product. Loss-of-function variants in CNTNAP2 are known to be pathogenic (PMID: 19896112, 21827697, 25045150, 26843181, 27439707).

Literature cited by the submitters: PubMed 19896112; PubMed 21827697; PubMed 25045150; PubMed 26843181; PubMed 27439707.